The following is an entry in ClinVar:

ClinVar aggregate classification (germline): Uncertain significance (1 of 4 stars; one submission).

Conditions:
Pierpont syndrome (PRPTS). Identifiers: Orphanet 487825, MedGen C1865644, MONDO:0011213, OMIM 602342.

gnomAD v4.1: 1 of 1,613,288 alleles (0.000062%); highest among the groups gnomAD compares: Non-Finnish European, 0.000085%; no homozygotes.

Submission:

Labcorp Genetics (formerly Invitae), Labcorp
Classification: Uncertain significance for Pierpont syndrome. Last evaluated: 2025-07-07. Review status: criteria provided, single submitter. Criteria: Invitae Variant Classification Sherloc (09022015). Collection method: clinical testing. Allele origin: germline.
Comment: This sequence change replaces threonine, which is neutral and polar, with serine, which is neutral and polar, at codon 360 of the TBL1XR1 protein (p.Thr360Ser). This variant is present in population databases (rs576079779, gnomAD 0.0009%). This variant has not been reported in the literature in individuals affected with TBL1XR1-related conditions. ClinVar contains an entry for this variant (Variation ID: 3635801). Invitae Evidence Modeling of protein sequence and biophysical properties (such as structural, functional, and spatial information, amino acid conservation, physicochemical variation, residue mobility, and thermodynamic stability) indicates that this missense variant is not expected to disrupt TBL1XR1 protein function with a negative predictive value of 95%. In summary, the available evidence is currently insufficient to determine the role of this variant in disease. Therefore, it has been classified as a Variant of Uncertain Significance.

NM_024665.7(TBL1XR1):c.1078A>T (p.Thr360Ser)

Genes: TBL1XR1 (TBL1X/Y related 1; minus strand), TBL1XR1-AS1 (TBL1XR1 antisense RNA 1; plus strand), LOC126806878 (CDK7 strongly-dependent group 2 enhancer GRCh37_chr3:176755168-176756367; plus strand). Cytogenetic location: 3q26.32.
Variant type: single nucleotide variant.
Coding change: c.1078A>T on transcript NM_024665.7 (MANE Select); coding-DNA position 1078, A replaced by T.
Protein change: p.Thr360Ser; replaces threonine 360 with serine.
Molecular consequence: missense variant.
Genome position (GRCh38, 1-based): chr3:177,038,142, T>A on the plus strand (A>T on the coding strand, the complement: TBL1XR1 is on the minus strand). VCF-style: chr3-177038142-T-A. GRCh37 (hg19) VCF-style: chr3-176755930-T-A.
Other names: c.1078A>T, p.Thr360Ser (NM_001321193.3, NM_001321194.3, NM_001374327.1 and 2 more transcripts); c.817A>T, p.Thr273Ser (NM_001321195.3, NM_001374330.1); short protein forms T273S, T360S.
Identifiers: ClinVar variation 3635801 (VCV003635801.2).